The following is an entry in ClinVar:

NM_139242.4(MTFMT):c.1A>C (p.Met1Leu)

Genes: MTFMT (mitochondrial methionyl-tRNA formyltransferase; minus strand), LOC130057309 (ATAC-STARR-seq lymphoblastoid silent region 6550; plus strand). Cytogenetic location: 15q22.31.
Variant type: single nucleotide variant.
Coding change: c.1A>C on transcript NM_139242.4 (MANE Select); coding-DNA position 1, A replaced by C.
Protein change: p.Met1Leu; changes the start codon (methionine 1).
Molecular consequence: missense variant, initiator codon variant.
Genome position (GRCh38, 1-based): chr15:65,029,613, T>G on the plus strand (A>C on the coding strand, the complement: MTFMT is on the minus strand). VCF-style: chr15-65029613-T-G. GRCh37 (hg19) VCF-style: chr15-65321951-T-G.
Other names: short protein forms M1L.
Identifiers: ClinVar variation 1324745 (VCV001324745.13), dbSNP rs769064443, ClinGen allele CA392863989.

ClinVar aggregate classification (germline): Conflicting classifications of pathogenicity. Review status: criteria provided, conflicting classifications (1 of 4 stars). 4 submissions from 4 submitters: Pathogenic (2); Likely pathogenic (1); Uncertain significance (1). Last evaluated 2025-04-08.

Conditions:
MTFMT-Related Disorders.

Allele frequency attached by ClinVar (database versions not stated): gnomAD 0.00003 and 0.00004.

Submissions (4):

GeneDx
Classification: Pathogenic. Last evaluated: 2025-04-08. Review status: criteria provided, single submitter. Criteria: GeneDx Variant Classification Process June 2021. Collection method: clinical testing. Allele origin: germline. Affected: yes.
Comment: Initiation codon variant in a gene for which loss of function is a known mechanism of disease; Not observed at significant frequency in large population cohorts (gnomAD); Has not been previously published as pathogenic or benign to our knowledge

Revvity Omics, Revvity
Classification: Uncertain significance. Last evaluated: 2025-02-18. Review status: criteria provided, single submitter. Criteria: ACMG Guidelines, 2015. Collection method: clinical testing. Allele origin: germline.

Women's Health and Genetics/Laboratory Corporation of America, LabCorp
Classification: Likely pathogenic for MTFMT-Related Disorders. Last evaluated: 2024-06-13. Review status: criteria provided, single submitter. Criteria: LabCorp Variant Classification Summary - May 2015. Collection method: clinical testing. Allele origin: germline.
Comment: Variant summary: MTFMT c.1A>C (p.Met1Leu) alters the initiation codon and is predicted to result either in absence of the protein or truncation of the encoded protein due to translation initiation at a downstream codon. At-least one pathogenic missense variant upstream of the next downstream in-frame Met 86 has been identified (p.G54S) (PMID: 30369941, 30911575), and c.1A>T (p.Met1Leu) has been reported Pathogenic in ClinVar. The variant was absent in 31126 control chromosomes. To our knowledge, no occurrence of c.1A>C in individuals affected with MTFMT-Related Disorders and no experimental evidence demonstrating its impact on protein function have been reported. ClinVar contains an entry for this variant (Variation ID: 1324745). Based on the evidence outlined above, the variant was classified as likely pathogenic.

Labcorp Genetics (formerly Invitae), Labcorp
Classification: Pathogenic. Last evaluated: 2022-12-28. Review status: criteria provided, single submitter. Criteria: Invitae Variant Classification Sherloc (09022015). Collection method: clinical testing. Allele origin: germline.
Comment: For these reasons, this variant has been classified as Pathogenic. This variant disrupts a region of the MTFMT protein in which other variant(s) (p.Gly54Ser) have been determined to be pathogenic (PMID: 30369941, 30911575). This suggests that this is a clinically significant region of the protein, and that variants that disrupt it are likely to be disease-causing. ClinVar contains an entry for this variant (Variation ID: 1324745). This variant has not been reported in the literature in individuals affected with MTFMT-related conditions. This variant is not present in population databases (gnomAD no frequency). This sequence change affects the initiator methionine of the MTFMT mRNA. The next in-frame methionine is located at codon 86.

Literature cited by the submitters: PubMed 30369941 (cited by Labcorp Genetics (formerly Invitae), Labcorp); PubMed 30911575 (cited by Labcorp Genetics (formerly Invitae), Labcorp).